The following is an entry in ClinVar:

NM_004448.4(ERBB2):c.989G>A (p.Arg330Gln)

Gene: ERBB2 (erb-b2 receptor tyrosine kinase 2; plus strand). Cytogenetic location: 17q12.
Variant type: single nucleotide variant.
Coding change: c.989G>A on transcript NM_004448.4 (MANE Select); coding-DNA position 989, G replaced by A.
Protein change: p.Arg330Gln; replaces arginine 330 with glutamine.
Molecular consequence: missense variant. On other transcripts: non-coding transcript variant (1).
Genome position (GRCh38, 1-based): chr17:39,712,015, G>A. VCF-style: chr17-39712015-G-A. GRCh37 (hg19) VCF-style: chr17-37868268-G-A.
Other names: c.989G>A, p.Arg330Gln (NM_001382805.1, NM_001382806.1, NM_001289937.2 and 16 more transcripts); c.899G>A, p.Arg300Gln (NM_001005862.3, NM_001289938.2, NM_001382782.1 and 1 more transcripts); c.944G>A, p.Arg315Gln (NM_001289936.2); c.1064G>A, p.Arg355Gln (NM_001382787.1); c.980G>A, p.Arg327Gln (NM_001382791.1); c.809G>A, p.Arg270Gln (NM_001382799.1); c.731G>A, p.Arg244Gln (NM_001382802.1); c.161G>A, p.Arg54Gln (NM_001382804.1); short protein forms R270Q, R330Q, R244Q, R327Q, R355Q, R300Q, R315Q, R54Q.
Identifiers: ClinVar variation 4752473 (VCV004752473.1).
Genomic context (GRCh38, chr17:39,712,015, plus strand): 5'-CCTGCACCCTCGTCTGCCCCCTGCACAACCAAGAGGTGACAGCAGAGGATGGAACACAGC[G>A]GTGTGAGAAGTGCAGCAAGCCCTGTGCCCGAGGTACCCACTCACTGCCCCCGAGGCCAGC-3'
Protein context (NP_004439.2, residues 320-340): QEVTAEDGTQ[Arg330Gln]CEKCSKPCAR

ClinVar aggregate classification (germline): Uncertain significance (1 of 4 stars; one submission).

Submission:

Labcorp Genetics (formerly Invitae), Labcorp
Classification: Uncertain significance. Last evaluated: 2025-06-18. Review status: criteria provided, single submitter. Criteria: Invitae Variant Classification Sherloc (09022015). Collection method: clinical testing. Allele origin: germline.
Comment: This sequence change replaces arginine, which is basic and polar, with glutamine, which is neutral and polar, at codon 330 of the ERBB2 protein (p.Arg330Gln). This variant is present in population databases (rs768206712, gnomAD 0.01%). This variant has not been reported in the literature in individuals affected with ERBB2-related conditions. Invitae Evidence Modeling of protein sequence and biophysical properties (such as structural, functional, and spatial information, amino acid conservation, physicochemical variation, residue mobility, and thermodynamic stability) indicates that this missense variant is not expected to disrupt ERBB2 protein function with a negative predictive value of 80%. In summary, the available evidence is currently insufficient to determine the role of this variant in disease. Therefore, it has been classified as a Variant of Uncertain Significance.